The following is an entry in ClinVar:

ClinVar aggregate classification (germline): Uncertain significance (1 of 4 stars; one submission).

Submission:

Ambry Genetics
Classification: Uncertain significance. Last evaluated: 2025-02-16. Review status: criteria provided, single submitter. Criteria: Ambry Variant Classification Scheme 2023. Collection method: clinical testing. Allele origin: germline.
Comment: The p.A119S variant (also known as c.355G>T), located in coding exon 4 of the RPS20 gene, results from a G to T substitution at nucleotide position 355. The alanine at codon 119 is replaced by serine, an amino acid with similar properties. This amino acid position is conserved. In addition, the in silico prediction for this alteration is inconclusive. Based on the available evidence, the clinical significance of this variant remains unclear.

NM_001023.4(RPS20):c.355G>T (p.Ala119Ser)

Gene: RPS20 (ribosomal protein S20; minus strand). Cytogenetic location: 8q12.1.
Variant type: single nucleotide variant.
Coding change: c.355G>T on transcript NM_001023.4 (MANE Select); coding-DNA position 355, G replaced by T.
Protein change: p.Ala119Ser; replaces alanine 119 with serine.
Molecular consequence: missense variant. On other transcripts: intron variant (1).
Genome position (GRCh38, 1-based): chr8:56,073,095, C>A on the plus strand (G>T on the coding strand, the complement: RPS20 is on the minus strand). VCF-style: chr8-56073095-C-A. GRCh37 (hg19) VCF-style: chr8-56985654-C-A.
Other names: c.333+22G>T (NM_001146227.3); short protein forms A119S.
Identifiers: ClinVar variation 3790509 (VCV003790509.1).